The following is an entry in ClinVar:

NM_023110.3(FGFR1):c.1037_1038del (p.Ser346fs)

Gene: FGFR1 (fibroblast growth factor receptor 1; minus strand). Cytogenetic location: 8p11.23.
Variant type: Microsatellite.
Coding change: c.1037_1038del on transcript NM_023110.3 (MANE Select); coding-DNA positions 1037 to 1038, 2 bases deleted (CT; older notation c.1037_1038delCT).
Protein change: p.Ser346fs; shifts the reading frame from serine 346.
Molecular consequence: frameshift variant.
Genome position (GRCh38, 1-based): chr8:38,421,840-38,421,841, AG deleted on the plus strand (CT on the coding strand, the reverse complement: FGFR1 is on the minus strand); deleting any 2 consecutive bases within chr8:38,421,840-38,421,843 gives the same sequence; the c. name uses the placement nearest the transcript's 3' end. VCF-style (leftmost placement, unchanged base first): chr8-38421839-TAG-T. GRCh37 (hg19) VCF-style: chr8-38279357-TAG-T.
Other names: c.1037_1038delCT (NM_023110.2); c.1037_1038del, p.Ser346fs (NM_001174063.2); c.1013_1014del, p.Ser338fs (NM_001174064.2); c.1031_1032del, p.Ser344fs (NM_001174065.2, NM_001354367.2, NM_001354369.2 and 1 more transcripts); c.770_771del, p.Ser257fs (NM_001174066.2, NM_023105.3); c.1130_1131del, p.Ser377fs (NM_001174067.2); c.764_765del, p.Ser255fs (NM_001354368.2, NM_001354370.2, NM_023106.3); c.1037_1038del (NM_023110.2); short protein forms S255fs, S346fs, S377fs, S257fs, S344fs, S338fs.
Identifiers: ClinVar variation 180154 (VCV000180154.7), dbSNP rs727505371, ClinGen allele CA185886.

ClinVar aggregate classification (germline): Pathogenic/Likely pathogenic. Review status: criteria provided, multiple submitters, no conflicts (2 of 4 stars). 5 submissions from 4 submitters: Pathogenic (2); Likely pathogenic (2). 1 of the submissions does not count toward it. Last evaluated 2024-10-22.

Conditions:
Hypogonadotropic hypogonadism 2 with or without anosmia (HH2). Also called: HYPOGONADOTROPIC HYPOGONADISM 2 WITHOUT ANOSMIA; FGFR1-Related GnRH Deficiency (Kallmann Syndrome 2); HYPOGONADOTROPIC HYPOGONADISM 2 WITH OR WITHOUT ANOSMIA, SUSCEPTIBILITY TO; HYPOGONADOTROPIC HYPOGONADISM 2 WITHOUT ANOSMIA, SUSCEPTIBILITY TO. Identifiers: Orphanet 478, MedGen C1563720, MONDO:0007844, OMIM 147950. Disease mechanism: loss of function.
Pfeiffer syndrome (ACS5). Also called: ACS V. Identifiers: Orphanet 710, MedGen C0220658, MONDO:0007043, OMIM 101600.
Hypogonadotropic hypogonadism 7 with or without anosmia (HH7). Also called: GNRHR-Related GnRH Deficiency; HYPOGONADOTROPIC HYPOGONADISM 7 WITHOUT ANOSMIA. Identifiers: Orphanet 432, MedGen C0342384, MONDO:0007794, OMIM 146110.
Delayed puberty. Identifiers: MedGen C0034012, HP:0000823.

Submissions (5):

Labcorp Genetics (formerly Invitae), Labcorp
Classification: Pathogenic for Pfeiffer syndrome; Hypogonadotropic hypogonadism 2 with or without anosmia. Last evaluated: 2024-10-22. Review status: criteria provided, single submitter. Criteria: Invitae Variant Classification Sherloc (09022015). Collection method: clinical testing. Allele origin: germline.
Comment: This sequence change creates a premature translational stop signal (p.Ser346Tyrfs*61) in the FGFR1 gene. It is expected to result in an absent or disrupted protein product. Loss-of-function variants in FGFR1 are known to be pathogenic (PMID: 12627230). This variant is present in population databases (rs727505371, gnomAD 0.0009%). This premature translational stop signal has been observed in individual(s) with Kallman syndrome (PMID: 23533228). ClinVar contains an entry for this variant (Variation ID: 180154). Algorithms developed to predict the effect of sequence changes on RNA splicing suggest that this variant may create or strengthen a splice site. For these reasons, this variant has been classified as Pathogenic.

GeneDx
Classification: Pathogenic. Last evaluated: 2024-05-22. Review status: criteria provided, single submitter. Criteria: GeneDx Variant Classification Process June 2021. Collection method: clinical testing. Allele origin: germline. Affected: yes.
Comment: Frameshift variant predicted to result in protein truncation or nonsense mediated decay in a gene for which loss of function is a known mechanism of disease; Not observed at significant frequency in large population cohorts (gnomAD); This variant is associated with the following publications: (PMID: 33384420, 33775534, 23533228, 36407308, 36268624)

Chan Lab, Boston Children's Hospital
Classification: Likely pathogenic for Hypogonadotrophic hypogonadism. Last evaluated: 2014-11-01. Review status: criteria provided, single submitter. Criteria: Submitter's publication. Collection method: case-control. Allele origin: paternal. Affected: yes. Observed: 1 variant allele.

Chan Lab, Boston Children's Hospital
Classification: Likely pathogenic for Delayed puberty. Last evaluated: 2014-11-01. Review status: criteria provided, single submitter. Criteria: Submitter's publication. Collection method: case-control. Allele origin: unknown. Affected: yes. Observed: 1 variant allele.

Reproductive Endocrine Unit, Massachusetts General Hospital
Classification: Uncertain significance for Hypogonadotropic hypogonadism 2 with or without anosmia. Last evaluated: 2023-05-04. Review status: flagged submission. Criteria: ACMG Guidelines, 2015. Collection method: research. Allele origin: inherited, unknown. Affected: yes. Observed: 2 variant alleles. Not counted in ClinVar's aggregate classification.
Comment: The variant NM_023110.2:c.1037_1038del, p.(Ser346Tyrfs*61) het has been classified as VUS based on the variant meeting the following ACMG Criteria: PVS1,PP3.
ClinVar note: Reason: Outlier claim with insufficient supporting evidence

Literature cited by the submitters: PubMed 12627230 (cited by Labcorp Genetics (formerly Invitae), Labcorp); PubMed 23533228 (cited by Labcorp Genetics (formerly Invitae), Labcorp).